The following is an entry in ClinVar:

NM_001042492.3(NF1):c.8065G>A (p.Val2689Met)

Gene: NF1 (neurofibromin 1; plus strand). Cytogenetic location: 17q11.2.
Variant type: single nucleotide variant.
Coding change: c.8065G>A on transcript NM_001042492.3 (MANE Select); coding-DNA position 8065, G replaced by A.
Protein change: p.Val2689Met; replaces valine 2689 with methionine.
Molecular consequence: missense variant.
Genome position (GRCh38, 1-based): chr17:31,358,574, G>A. VCF-style: chr17-31358574-G-A. GRCh37 (hg19) VCF-style: chr17-29685592-G-A.
Other names: c.8002G>A, p.Val2668Met (NM_000267.4); short protein forms V2689M, V2668M.
Identifiers: ClinVar variation 964721 (VCV000964721.11), dbSNP rs761214867, ClinGen allele CA8487724.
Genomic context (GRCh38, chr17:31,358,574, plus strand): 5'-TTATCATTGTGCCAAGATCCAAATTTGTTAAATCCAATCCATGGAATTGTGCAGAGTGTG[G>A]TGTACCATGAAGAATCCCCACCACAATACCAAACATCTTACCTGCAAAGTAAATAAATGT-3'
Protein context (NP_001035957.1, residues 2679-2699): NPIHGIVQSV[Val2689Met]YHEESPPQYQ

ClinVar aggregate classification (germline): Uncertain significance. Review status: criteria provided, multiple submitters, no conflicts (2 of 4 stars). 3 submissions from 3 submitters: Uncertain significance (3). Last evaluated 2025-06-17.

Conditions:
Cardiovascular phenotype. Identifiers: MedGen CN230736.
Hereditary cancer-predisposing syndrome. Also called: Hereditary neoplastic syndrome; Hereditary Cancer Syndrome; Tumor predisposition; Neoplastic Syndromes, Hereditary. Identifiers: Orphanet 140162, MedGen C0027672, MeSH D009386, MONDO:0015356.
Neurofibromatosis, type 1 (NF1). Also called: Neurofibromatosis, type I; Peripheral type neurofibromatosis; VON RECKLINGHAUSEN DISEASE; NEUROFIBROMATOSIS, TYPE I, SOMATIC. Identifiers: Orphanet 636, MedGen C0027831, MONDO:0018975, OMIM 162200. Disease mechanism: loss of function.

Allele frequency attached by ClinVar (database versions not stated): gnomAD exomes below 0.00001; ExAC 0.00001.
gnomAD v4.1: 3 of 1,613,934 alleles (0.00019%); highest among the groups gnomAD compares: South Asian, 0.0011%; no homozygotes.

Submissions (3):

Labcorp Genetics (formerly Invitae), Labcorp
Classification: Uncertain significance for Neurofibromatosis, type 1. Last evaluated: 2025-06-17. Review status: criteria provided, single submitter. Criteria: Invitae Variant Classification Sherloc (09022015). Collection method: clinical testing. Allele origin: germline.
Comment: This sequence change replaces valine, which is neutral and non-polar, with methionine, which is neutral and non-polar, at codon 2668 of the NF1 protein (p.Val2668Met). This variant is present in population databases (rs761214867, gnomAD 0.0009%). This variant has not been reported in the literature in individuals affected with NF1-related conditions. ClinVar contains an entry for this variant (Variation ID: 964721). Invitae Evidence Modeling of protein sequence and biophysical properties (such as structural, functional, and spatial information, amino acid conservation, physicochemical variation, residue mobility, and thermodynamic stability) has been performed for this missense variant. However, the output from this modeling did not meet the statistical confidence thresholds required to predict the impact of this variant on NF1 protein function. In summary, the available evidence is currently insufficient to determine the role of this variant in disease. Therefore, it has been classified as a Variant of Uncertain Significance.

Ambry Genetics
Classification: Uncertain significance for Cardiovascular phenotype; Hereditary cancer-predisposing syndrome. Last evaluated: 2024-10-09. Review status: criteria provided, single submitter. Criteria: Ambry Variant Classification Scheme 2023. Collection method: clinical testing. Allele origin: germline.
Comment: The p.V2668M variant (also known as c.8002G>A), located in coding exon 54 of the NF1 gene, results from a G to A substitution at nucleotide position 8002. The valine at codon 2668 is replaced by methionine, an amino acid with highly similar properties. This variant was identified in patient with less than 6 cafe au lait macules and skinfold freckling (Koczkowska M et al. Hum Mutat, 2020 01;41:299-315). This amino acid position is highly conserved in available vertebrate species. In addition, the in silico prediction for this alteration is inconclusive. Based on the available evidence, the clinical significance of this variant remains unclear.

Quest Diagnostics Nichols Institute San Juan Capistrano
Classification: Uncertain significance. Last evaluated: 2023-11-27. Review status: criteria provided, single submitter. Criteria: Quest Diagnostics criteria. Collection method: clinical testing. Allele origin: unknown.